The following is an entry in ClinVar:

NM_007194.4(CHEK2):c.775G>C (p.Gly259Arg)

Gene: CHEK2 (checkpoint kinase 2; minus strand). Cytogenetic location: 22q12.1.
Variant type: single nucleotide variant.
Coding change: c.775G>C on transcript NM_007194.4 (MANE Select); coding-DNA position 775, G replaced by C.
Protein change: p.Gly259Arg; replaces glycine 259 with arginine.
Molecular consequence: missense variant.
Genome position (GRCh38, 1-based): chr22:28,711,926, C>G on the plus strand (G>C on the coding strand, the complement: CHEK2 is on the minus strand). VCF-style: chr22-28711926-C-G. GRCh37 (hg19) VCF-style: chr22-29107914-C-G.
Other names: c.112G>C, p.Gly38Arg (NM_001257387.3); c.574G>C, p.Gly192Arg (NM_001349956.3); c.775G>C, p.Gly259Arg (NM_145862.3); c.904G>C, p.Gly302Arg (NM_001005735.3); short protein forms G192R, G259R, G302R, G38R.
Identifiers: ClinVar variation 926263 (VCV000926263.3), dbSNP rs786201923, ClinGen allele CA411103097.

ClinVar aggregate classification (germline): Uncertain significance. Review status: criteria provided, multiple submitters, no conflicts (2 of 4 stars). 2 submissions from 2 submitters: Uncertain significance (2). Last evaluated 2025-10-17.

Conditions:
Hereditary cancer-predisposing syndrome. Also called: Neoplastic Syndromes, Hereditary; Tumor predisposition; Hereditary Cancer Syndrome; Hereditary neoplastic syndrome. Identifiers: Orphanet 140162, MedGen C0027672, MeSH D009386, MONDO:0015356.

Submissions (2):

Ambry Genetics
Classification: Uncertain significance for Hereditary cancer-predisposing syndrome. Last evaluated: 2025-10-17. Review status: criteria provided, single submitter. Criteria: Ambry Variant Classification Scheme 2023. Collection method: clinical testing. Allele origin: germline.
Comment: The p.G259R variant (also known as c.775G>C), located in coding exon 5 of the CHEK2 gene, results from a G to C substitution at nucleotide position 775. The glycine at codon 259 is replaced by arginine, an amino acid with dissimilar properties. This amino acid position is conserved. In addition, the in silico prediction for this alteration is inconclusive. Based on the available evidence, the clinical significance of this variant remains unclear.

Color Diagnostics, LLC DBA Color Health
Classification: Uncertain significance for Hereditary cancer-predisposing syndrome. Last evaluated: 2019-04-18. Review status: criteria provided, single submitter. Criteria: ACMG Guidelines, 2015. Collection method: clinical testing. Allele origin: germline.